The following is an entry in ClinVar:

ClinVar aggregate classification (germline): Uncertain significance. Review status: criteria provided, single submitter (1 of 4 stars). 2 submissions from 2 submitters: Uncertain significance (1). 1 of the submissions does not count toward it. Last evaluated 2021-12-02.

Conditions:
Glycine encephalopathy. Also called: Nonketotic hyperglycinemia; Non-ketotic hyperglycinemia. Identifiers: Orphanet 407, MedGen C0751748, MONDO:0011612, HP:0008288.

Allele frequency attached by ClinVar (database versions not stated): ExAC 0.00001; gnomAD exomes 0.00001; TOPMed 0.00004; gnomAD 0.00007.
gnomAD v4.1: 11 of 1,613,834 alleles (0.00068%); highest among the groups gnomAD compares: African/African-American, 0.015%; no homozygotes.

Submissions (2):

Labcorp Genetics (formerly Invitae), Labcorp
Classification: Uncertain significance for Glycine encephalopathy. Last evaluated: 2021-12-02. Review status: criteria provided, single submitter. Criteria: Invitae Variant Classification Sherloc (09022015). Collection method: clinical testing. Allele origin: germline.
Comment: This sequence change replaces asparagine, which is neutral and polar, with histidine, which is basic and polar, at codon 578 of the GLDC protein (p.Asn578His). This variant is present in population databases (rs770315107, gnomAD 0.02%). This variant has not been reported in the literature in individuals affected with GLDC-related conditions. ClinVar contains an entry for this variant (Variation ID: 965026). Algorithms developed to predict the effect of missense changes on protein structure and function are either unavailable or do not agree on the potential impact of this missense change (SIFT: "Deleterious"; PolyPhen-2: "Possibly Damaging"; Align-GVGD: "Class C15"). In summary, the available evidence is currently insufficient to determine the role of this variant in disease. Therefore, it has been classified as a Variant of Uncertain Significance.

Natera, Inc.
Classification: Uncertain significance for Non-ketotic hyperglycinemia. Last evaluated: 2021-06-11. Review status: no assertion criteria provided. Collection method: clinical testing. Allele origin: germline. Not counted in ClinVar's aggregate classification.

NM_000170.3(GLDC):c.1732A>C (p.Asn578His)

Gene: GLDC (glycine decarboxylase; minus strand). Cytogenetic location: 9p24.1.
Variant type: single nucleotide variant.
Coding change: c.1732A>C on transcript NM_000170.3 (MANE Select); coding-DNA position 1732, A replaced by C.
Protein change: p.Asn578His; replaces asparagine 578 with histidine.
Molecular consequence: missense variant.
Genome position (GRCh38, 1-based): chr9:6,587,259, T>G on the plus strand (A>C on the coding strand, the complement: GLDC is on the minus strand). VCF-style: chr9-6587259-T-G. GRCh37 (hg19) VCF-style: chr9-6587259-T-G.
Other names: short protein forms N578H.
Identifiers: ClinVar variation 965026 (VCV000965026.7), dbSNP rs770315107, ClinGen allele CA4980551.